The following is an entry in ClinVar:

ClinVar aggregate classification (germline): Pathogenic/Likely pathogenic. Review status: criteria provided, multiple submitters, no conflicts (2 of 4 stars). 3 submissions from 2 submitters: Pathogenic (2); Likely pathogenic (1). Last evaluated 2023-09-30.

Conditions:
Cone-rod dystrophy 6 (CORD6). Also called: RETINAL CONE DYSTROPHY 2; Cone dystrophy progressive. Identifiers: Orphanet 1872, MedGen C1866293, MONDO:0011143, OMIM 601777.
Leber congenital amaurosis 1 (LCA1). Also called: AMAUROSIS CONGENITA OF LEBER I; RETINAL BLINDNESS, CONGENITAL; Congenital absence of the rods and cones; Leber's congenital tapetoretinal degeneration; Leber's congenital tapetoretinal dysplasia. Identifiers: Orphanet 65, MedGen C2931258, MONDO:0008764, OMIM 204000.
Retinitis pigmentosa (RP). Identifiers: Orphanet 791, MedGen C0035334, MeSH D012174, MONDO:0019200, OMIM 268000. Inheritance: Autosomal dominant, autosomal recessive and X linked inheritance.
Autosomal recessive optic atrophy. Identifiers: Orphanet 98676, MedGen C5680331, MONDO:0014753.

Submissions (3):

Labcorp Genetics (formerly Invitae), Labcorp
Classification: Likely pathogenic for Leber congenital amaurosis 1; Cone-rod dystrophy 6. Last evaluated: 2023-09-30. Review status: criteria provided, single submitter. Criteria: Invitae Variant Classification Sherloc (09022015). Collection method: clinical testing. Allele origin: germline.
Comment: This sequence change affects an acceptor splice site in intron 6 of the GUCY2D gene. It is expected to disrupt RNA splicing. Variants that disrupt the donor or acceptor splice site typically lead to a loss of protein function (PMID: 16199547), and loss-of-function variants in GUCY2D are known to be pathogenic (PMID: 10951519, 11328726). This variant is not present in population databases (gnomAD no frequency). This variant has not been reported in the literature in individuals affected with GUCY2D-related conditions. ClinVar contains an entry for this variant (Variation ID: 1213843). Algorithms developed to predict the effect of sequence changes on RNA splicing suggest that this variant may disrupt the consensus splice site. In summary, the currently available evidence indicates that the variant is pathogenic, but additional data are needed to prove that conclusively. Therefore, this variant has been classified as Likely Pathogenic.

DBGen Ocular Genomics
Classification: Pathogenic for Retinitis pigmentosa. Last evaluated: 2021-06-16. Review status: criteria provided, single submitter. Criteria: ACMG Guidelines, 2015. Collection method: clinical testing. Allele origin: germline. Affected: yes. Observed: 1 variant allele.

DBGen Ocular Genomics
Classification: Pathogenic for Autosomal recessive optic atrophy. Last evaluated: 2021-01-01. Review status: criteria provided, single submitter. Criteria: ACMG Guidelines, 2015. Collection method: clinical testing. Allele origin: inherited. Inheritance: Autosomal recessive inheritance. Affected: yes.
Comment: Class 5 ACMG Guidelines, 2015 (PMID:25741868)

Literature cited by the submitters: PubMed 16199547 (cited by Labcorp Genetics (formerly Invitae), Labcorp); PubMed 10951519 (cited by Labcorp Genetics (formerly Invitae), Labcorp); PubMed 11328726 (cited by Labcorp Genetics (formerly Invitae), Labcorp).

NM_000180.4(GUCY2D):c.1567-1G>C

Gene: GUCY2D (guanylate cyclase 2D, retinal; plus strand). Cytogenetic location: 17p13.1.
Variant type: single nucleotide variant.
Coding change: c.1567-1G>C on transcript NM_000180.4 (MANE Select); the canonical splice acceptor site of the intron before coding-DNA position 1567, G replaced by C.
Molecular consequence: splice acceptor variant.
Genome position (GRCh38, 1-based): chr17:8,007,930, G>C. VCF-style: chr17-8007930-G-C. GRCh37 (hg19) VCF-style: chr17-7911248-G-C.
Identifiers: ClinVar variation 1213843 (VCV001213843.6), dbSNP rs2151801050, ClinGen allele CA397949515.